The following is an entry in ClinVar:

ClinVar aggregate classification (germline): Uncertain significance. Review status: criteria provided, multiple submitters, no conflicts (2 of 4 stars). 2 submissions from 2 submitters: Uncertain significance (2). Last evaluated 2024-07-27.

Allele frequency attached by ClinVar (database versions not stated): TOPMed below 0.00001; ExAC 0.00001; gnomAD exomes 0.00001.
gnomAD v4.1: 4 of 1,610,474 alleles (0.00025%); highest among the groups gnomAD compares: Admixed American, 0.0033%; no homozygotes.

Submissions (2):

Women's Health and Genetics/Laboratory Corporation of America, LabCorp
Classification: Uncertain significance. Last evaluated: 2024-07-27. Review status: criteria provided, single submitter. Criteria: LabCorp Variant Classification Summary - May 2015. Collection method: clinical testing. Allele origin: germline.

Labcorp Genetics (formerly Invitae), Labcorp
Classification: Uncertain significance. Last evaluated: 2021-12-13. Review status: criteria provided, single submitter. Criteria: Invitae Variant Classification Sherloc (09022015). Collection method: clinical testing. Allele origin: germline.
Comment: This variant is present in population databases (rs754419257, gnomAD 0.0009%). This sequence change replaces valine, which is neutral and non-polar, with leucine, which is neutral and non-polar, at codon 313 of the HELLS protein (p.Val313Leu). This variant has not been reported in the literature in individuals affected with HELLS-related conditions. In summary, the available evidence is currently insufficient to determine the role of this variant in disease. Therefore, it has been classified as a Variant of Uncertain Significance. Algorithms developed to predict the effect of missense changes on protein structure and function (SIFT, PolyPhen-2, Align-GVGD) all suggest that this variant is likely to be tolerated.

NM_018063.5(HELLS):c.937G>C (p.Val313Leu)

Gene: HELLS (helicase, lymphoid specific; plus strand). Cytogenetic location: 10q23.33.
Variant type: single nucleotide variant.
Coding change: c.937G>C on transcript NM_018063.5 (MANE Select); coding-DNA position 937, G replaced by C.
Protein change: p.Val313Leu; replaces valine 313 with leucine.
Molecular consequence: missense variant. On other transcripts: 5 prime UTR variant (1), splice donor variant (3).
Genome position (GRCh38, 1-based): chr10:94,576,710, G>C. VCF-style: chr10-94576710-G-C. GRCh37 (hg19) VCF-style: chr10-96336467-G-C.
Other names: c.937G>C, p.Val313Leu (NM_001289067.2, NM_001289070.2); c.889G>C, p.Val297Leu (NM_001289068.2); c.565G>C, p.Val189Leu (NM_001289071.2); c.523G>C, p.Val175Leu (NM_001289073.2); c.-85G>C (NM_001289075.2); c.-67+1G>C (NM_001289074.2); c.936+1G>C (NM_001289069.2, NM_001289072.2); short protein forms V175L, V189L, V297L, V313L.
Identifiers: ClinVar variation 1355822 (VCV001355822.7), dbSNP rs754419257, ClinGen allele CA5615384.
Genomic context (GRCh38, chr10:94,576,710, plus strand): 5'-AAAATTTTTCAGATCCCTACAATGTTATATCATGGAACCCAGGAGGAACGTCAAAAATTG[G>C]TAAGAAATATTTACAAACGGAAAGGGACTTTGCAGATTCATCCTGTGGTAATCACGTCAT-3'
Protein context (NP_060533.2, residues 303-323): HGTQEERQKL[Val313Leu]RNIYKRKGTL